The following is an entry in ClinVar:

NM_031935.3(HMCN1):c.8095T>A (p.Tyr2699Asn)

Gene: HMCN1 (hemicentin 1; plus strand). Cytogenetic location: 1q31.1.
Variant type: single nucleotide variant.
Coding change: c.8095T>A on transcript NM_031935.3 (MANE Select); coding-DNA position 8095, T replaced by A.
Protein change: p.Tyr2699Asn; replaces tyrosine 2699 with asparagine.
Molecular consequence: missense variant.
Genome position (GRCh38, 1-based): chr1:186,070,713, T>A. VCF-style: chr1-186070713-T-A. GRCh37 (hg19) VCF-style: chr1-186039845-T-A.
Other names: short protein forms Y2699N.
Identifiers: ClinVar variation 1967696 (VCV001967696.7), dbSNP rs1001105878, ClinGen allele CA33462847.
Genomic context (GRCh38, chr1:186,070,713, plus strand): 5'-CTTTCCCCTAAAGAAGTGAAGATCAAAGTAAACAACACTCTGACCTTGGAATGTGAAGCG[T>A]ATGCAATTCCTTCTGCCTCCCTCAGCTGGTACAAGGATGGACAGGCCAGTCACAACTTTT-3'
Protein context (NP_114141.2, residues 2689-2709): NNTLTLECEA[Tyr2699Asn]AIPSASLSWY

ClinVar aggregate classification (germline): Uncertain significance. Review status: criteria provided, multiple submitters, no conflicts (2 of 4 stars). 2 submissions from 2 submitters: Uncertain significance (2). Last evaluated 2025-01-18.

Submissions (2):

Dasa
Classification: Uncertain significance. Last evaluated: 2025-01-18. Review status: criteria provided, single submitter. Criteria: DASA Assertion Criteria. Collection method: clinical testing. Allele origin: germline.
Comment: NM_031935.3(HMCN1):c.8095T>A (p.Tyr2699Asn) is a missense variant that results in the substitution of tyrosine with asparagine. This variant is absent from population databases. Computational prediction algorithms are consistent with a benign effect. The currently available literature and clinical evidence are not sufficient to establish a definitive association between this variant and the reported condition. Therefore, this variant is classified as a variant of uncertain significance.

Labcorp Genetics (formerly Invitae), Labcorp
Classification: Uncertain significance. Last evaluated: 2022-10-25. Review status: criteria provided, single submitter. Criteria: Invitae Variant Classification Sherloc (09022015). Collection method: clinical testing. Allele origin: germline.
Comment: This variant is not present in population databases (gnomAD no frequency). This sequence change replaces tyrosine, which is neutral and polar, with asparagine, which is neutral and polar, at codon 2699 of the HMCN1 protein (p.Tyr2699Asn). This variant has not been reported in the literature in individuals affected with HMCN1-related conditions. In summary, the available evidence is currently insufficient to determine the role of this variant in disease. Therefore, it has been classified as a Variant of Uncertain Significance. Algorithms developed to predict the effect of missense changes on protein structure and function are either unavailable or do not agree on the potential impact of this missense change (SIFT: "Tolerated"; PolyPhen-2: "Probably Damaging"; Align-GVGD: "Class C0").